The following is an entry in ClinVar:

ClinVar aggregate classification (germline): Likely benign (0 of 4 stars; one submission).

Conditions:
SEMA3C-related disorder. Also called: SEMA3C-related condition.

Allele frequency attached by ClinVar (database versions not stated): ExAC 0.00002; TOPMed 0.00002; gnomAD exomes 0.00005.

Submission:

PreventionGenetics, part of Exact Sciences
Classification: Likely benign for SEMA3C-related condition. Last evaluated: 2023-03-29. Review status: no assertion criteria provided. Collection method: clinical testing. Allele origin: germline.
Comment: This variant is classified as likely benign based on ACMG/AMP sequence variant interpretation guidelines (Richards et al. 2015 PMID: 25741868, with internal and published modifications).

NM_006379.5(SEMA3C):c.522G>A (p.Thr174=)

Gene: SEMA3C (semaphorin 3C; minus strand). Cytogenetic location: 7q21.11.
Variant type: single nucleotide variant.
Coding change: c.522G>A on transcript NM_006379.5 (MANE Select); coding-DNA position 522, G replaced by A.
Protein change: p.Thr174=; no amino-acid change (threonine 174 retained).
Molecular consequence: synonymous variant.
Genome position (GRCh38, 1-based): chr7:80,810,627, C>T on the plus strand (G>A on the coding strand, the complement: SEMA3C is on the minus strand). VCF-style: chr7-80810627-C-T. GRCh37 (hg19) VCF-style: chr7-80439943-C-T.
Other names: c.576G>A, p.Thr192= (NM_001350120.2); c.348G>A, p.Thr116= (NM_001350121.2).
Identifiers: ClinVar variation 3050961 (VCV003050961.2), dbSNP rs752900631, ClinGen allele CA4316414.